The following is an entry in ClinVar:

ClinVar aggregate classification (germline): Uncertain significance (1 of 4 stars; one submission).

Conditions:
Familial thoracic aortic aneurysm and aortic dissection (TAAD). Also called: Thoracic aortic aneurysms and dissections. Identifiers: Orphanet 91387, MedGen C4707243, MONDO:0019625.

gnomAD v4.1: 2 of 1,613,146 alleles (0.00012%); highest among the groups gnomAD compares: African/African-American, 0.0027%; no homozygotes.

Submission:

Ambry Genetics
Classification: Uncertain significance for Familial thoracic aortic aneurysm and aortic dissection. Last evaluated: 2026-07-17. Review status: criteria provided, single submitter. Criteria: Ambry Variant Classification Scheme 2023. Collection method: clinical testing. Allele origin: germline.
Comment: The p.Q729R variant (also known as c.2186A>G), located in coding exon 23 of the COL5A1 gene, results from an A to G substitution at nucleotide position 2186. The glutamine at codon 729 is replaced by arginine, an amino acid with highly similar properties. This amino acid position is conserved. In addition, the in silico prediction for this alteration is inconclusive. Based on the available evidence, the clinical significance of this variant remains unclear.

NM_000093.5(COL5A1):c.2186A>G (p.Gln729Arg)

Gene: COL5A1 (collagen type V alpha 1 chain; plus strand). Cytogenetic location: 9q34.3.
Variant type: single nucleotide variant.
Coding change: c.2186A>G on transcript NM_000093.5 (MANE Select); coding-DNA position 2186, A replaced by G.
Protein change: p.Gln729Arg; replaces glutamine 729 with arginine.
Molecular consequence: missense variant.
Genome position (GRCh38, 1-based): chr9:134,767,052, A>G. VCF-style: chr9-134767052-A-G. GRCh37 (hg19) VCF-style: chr9-137658898-A-G.
Other names: c.2186A>G, p.Gln729Arg (NM_001278074.1); short protein forms Q729R.
Identifiers: ClinVar variation 5034804 (VCV005034804.1).